The following is an entry in ClinVar:

NM_000142.5(FGFR3):c.248C>T (p.Pro83Leu)

Gene: FGFR3 (fibroblast growth factor receptor 3; plus strand). Cytogenetic location: 4p16.3.
Variant type: single nucleotide variant.
Coding change: c.248C>T on transcript NM_000142.5 (MANE Select); coding-DNA position 248, C replaced by T.
Protein change: p.Pro83Leu; replaces proline 83 with leucine.
Molecular consequence: missense variant. On other transcripts: non-coding transcript variant (1).
Genome position (GRCh38, 1-based): chr4:1,799,392, C>T. VCF-style: chr4-1799392-C-T. GRCh37 (hg19) VCF-style: chr4-1801119-C-T.
Other names: c.248C>T, p.Pro83Leu (NM_001163213.2, NM_001354809.2, NM_001354810.2 and 1 more transcripts); short protein forms P83L.
Identifiers: ClinVar variation 4802670 (VCV004802670.1).

ClinVar aggregate classification (germline): Uncertain significance (1 of 4 stars; one submission).

Submission:

Labcorp Genetics (formerly Invitae), Labcorp
Classification: Uncertain significance. Last evaluated: 2025-08-25. Review status: criteria provided, single submitter. Criteria: Invitae Variant Classification Sherloc (09022015). Collection method: clinical testing. Allele origin: germline.
Comment: This sequence change replaces proline, which is neutral and non-polar, with leucine, which is neutral and non-polar, at codon 83 of the FGFR3 protein (p.Pro83Leu). This variant is not present in population databases (gnomAD no frequency). This variant has not been reported in the literature in individuals affected with FGFR3-related conditions. Invitae Evidence Modeling of protein sequence and biophysical properties (such as structural, functional, and spatial information, amino acid conservation, physicochemical variation, residue mobility, and thermodynamic stability) has been performed for this missense variant. However, the output from this modeling did not meet the statistical confidence thresholds required to predict the impact of this variant on FGFR3 protein function. In summary, the available evidence is currently insufficient to determine the role of this variant in disease. Therefore, it has been classified as a Variant of Uncertain Significance.